The following is an entry in ClinVar:

ClinVar aggregate classification (germline): Conflicting classifications of pathogenicity. Review status: criteria provided, conflicting classifications (1 of 4 stars). 2 submissions from 2 submitters: Likely pathogenic (1); Uncertain significance (1). Last evaluated 2025-01-06.

Conditions:
Intellectual developmental disorder with microcephaly and with or without ocular malformations or hypogonadotropic hypogonadism. Also called: Intellectual disability, autosomal dominant 27; Coffin-Siris Syndrome 9. Identifiers: Orphanet 1465, MedGen C4014528, MONDO:0014376, OMIM 615866.

Submissions (2):

GeneDx
Classification: Uncertain significance. Last evaluated: 2025-01-06. Review status: criteria provided, single submitter. Criteria: GeneDx Variant Classification Process June 2021. Collection method: clinical testing. Allele origin: germline. Affected: yes.
Comment: Not observed at significant frequency in large population cohorts (gnomAD); Frameshift variant predicted to result in abnormal protein length as the last 63 amino acid(s) are replaced with 37 different amino acid(s); Has not been previously published as pathogenic or benign to our knowledge

Fulgent Genetics
Classification: Likely pathogenic for Intellectual developmental disorder with microcephaly and with or without ocular malformations or hypogonadotropic hypogonadism. Last evaluated: 2024-05-03. Review status: criteria provided, single submitter. Criteria: ACMG Guidelines, 2015. Collection method: clinical testing. Allele origin: germline.

NM_003108.4(SOX11):c.1135_1150del (p.Gln379fs)

Gene: SOX11 (SRY-box transcription factor 11; plus strand). Cytogenetic location: 2p25.2.
Variant type: Deletion.
Coding change: c.1135_1150del on transcript NM_003108.4 (MANE Select); coding-DNA positions 1135 to 1150, 16 bases deleted (CAGCAGCTGGGGGGCG).
Protein change: p.Gln379fs; shifts the reading frame from glutamine 379.
Molecular consequence: frameshift variant.
Genome position (GRCh38, 1-based): chr2:5,693,856-5,693,871, CAGCAGCTGGGGGGCG deleted; deleting any 16 consecutive bases within chr2:5,693,855-5,693,871 gives the same sequence; the c. name uses the placement nearest the transcript's 3' end. VCF-style (leftmost placement, unchanged base first): chr2-5693854-AGCAGCAGCTGGGGGGC-A. GRCh37 (hg19) VCF-style: chr2-5833986-AGCAGCAGCTGGGGGGC-A.
Other names: c.1135_1150del (NM_003108.3); short protein forms Q379fs.
Identifiers: ClinVar variation 3586758 (VCV003586758.2).